The following is an entry in ClinVar:

ClinVar aggregate classification (germline): Uncertain significance. Review status: criteria provided, multiple submitters, no conflicts (2 of 4 stars). 2 submissions from 2 submitters: Uncertain significance (2). Last evaluated 2024-11-03.

Conditions:
Cardiovascular phenotype. Identifiers: MedGen CN230736.
Dilated cardiomyopathy 1O (CMD1O). Also called: CARDIOMYOPATHY, DILATED, WITH VENTRICULAR TACHYCARDIA. Identifiers: Orphanet 154, MedGen C1837839, MONDO:0012062, OMIM 608569.

gnomAD v4.1: 16 of 1,613,310 alleles (0.00099%); highest among the groups gnomAD compares: Non-Finnish European, 0.0014%; no homozygotes.

Submissions (2):

Labcorp Genetics (formerly Invitae), Labcorp
Classification: Uncertain significance for Dilated cardiomyopathy 1O. Last evaluated: 2024-11-03. Review status: criteria provided, single submitter. Criteria: Invitae Variant Classification Sherloc (09022015). Collection method: clinical testing. Allele origin: germline.
Comment: This sequence change replaces arginine, which is basic and polar, with serine, which is neutral and polar, at codon 1082 of the ABCC9 protein (p.Arg1082Ser). This variant is present in population databases (no rsID available, gnomAD 0.0009%). This variant has not been reported in the literature in individuals affected with ABCC9-related conditions. ClinVar contains an entry for this variant (Variation ID: 2887708). An algorithm developed to predict the effect of missense changes on protein structure and function (PolyPhen-2) suggests that this variant is likely to be disruptive. Algorithms developed to predict the effect of sequence changes on RNA splicing suggest that this variant may disrupt the consensus splice site. In summary, the available evidence is currently insufficient to determine the role of this variant in disease. Therefore, it has been classified as a Variant of Uncertain Significance.

Ambry Genetics
Classification: Uncertain significance for Cardiovascular phenotype. Last evaluated: 2024-05-17. Review status: criteria provided, single submitter. Criteria: Ambry Variant Classification Scheme 2023. Collection method: clinical testing. Allele origin: germline.
Comment: The p.R1082S variant (also known as c.3246G>T) is located in coding exon 26 of the ABCC9 gene. The arginine at codon 1082 is replaced by serine, an amino acid with dissimilar properties. This change occurs in the first base pair of coding exon 26. This amino acid position is highly conserved in available vertebrate species. In addition, this alteration is predicted to be deleterious by in silico analysis. Based on the available evidence, the clinical significance of this variant remains unclear.

NM_020297.4(ABCC9):c.3246G>T (p.Arg1082Ser)

Gene: ABCC9 (ATP binding cassette subfamily C member 9; minus strand). Cytogenetic location: 12p12.1.
Variant type: single nucleotide variant.
Coding change: c.3246G>T on transcript NM_020297.4 (MANE Select); coding-DNA position 3246, G replaced by T.
Protein change: p.Arg1082Ser; replaces arginine 1082 with serine.
Molecular consequence: missense variant.
Genome position (GRCh38, 1-based): chr12:21,844,552, C>A on the plus strand (G>T on the coding strand, the complement: ABCC9 is on the minus strand). VCF-style: chr12-21844552-C-A. GRCh37 (hg19) VCF-style: chr12-21997486-C-A.
Other names: c.3246G>T, p.Arg1082Ser (NM_001377273.1, NM_005691.4); c.2379G>T, p.Arg793Ser (NM_001377274.1); short protein forms R1082S, R793S.
Identifiers: ClinVar variation 2887708 (VCV002887708.4), dbSNP rs1380107048, ClinGen allele CA384118244.